The following is an entry in ClinVar:

ClinVar aggregate classification (germline): Uncertain significance (1 of 4 stars; one submission).

Conditions:
Hereditary spastic paraplegia 8 (SPG8). Also called: SPASTIC PARAPLEGIA 8, AUTOSOMAL DOMINANT. Identifiers: Orphanet 100989, MedGen C1863704, MONDO:0011339, OMIM 603563.
Ritscher-Schinzel syndrome. Also called: CRANIOCEREBELLOCARDIAC DYSPLASIA. Identifiers: Orphanet 7, MedGen C0796137, MONDO:0019078.

Submission:

Labcorp Genetics (formerly Invitae), Labcorp
Classification: Uncertain significance for Ritscher-Schinzel syndrome; Hereditary spastic paraplegia 8. Last evaluated: 2022-11-08. Review status: criteria provided, single submitter. Criteria: Invitae Variant Classification Sherloc (09022015). Collection method: clinical testing. Allele origin: germline.
Comment: In summary, the available evidence is currently insufficient to determine the role of this variant in disease. Therefore, it has been classified as a Variant of Uncertain Significance. Variants that disrupt the consensus splice site are a relatively common cause of aberrant splicing (PMID: 17576681, 9536098). Algorithms developed to predict the effect of sequence changes on RNA splicing suggest that this variant may disrupt the consensus splice site. This variant has not been reported in the literature in individuals affected with WASHC5-related conditions. This variant is not present in population databases (gnomAD no frequency). This sequence change falls in intron 20 of the WASHC5 gene. It does not directly change the encoded amino acid sequence of the WASHC5 protein. It affects a nucleotide within the consensus splice site.

Literature cited by the submitters: PubMed 17576681; PubMed 9536098.

NM_014846.4(WASHC5):c.2504+5G>A

Gene: WASHC5 (WASH complex subunit 5; minus strand). Cytogenetic location: 8q24.13.
Variant type: single nucleotide variant.
Coding change: c.2504+5G>A on transcript NM_014846.4 (MANE Select); 5 bases into the intron after coding-DNA position 2504, G replaced by A.
Molecular consequence: intron variant.
Genome position (GRCh38, 1-based): chr8:125,047,202, C>T on the plus strand (G>A on the coding strand, the complement: WASHC5 is on the minus strand). VCF-style: chr8-125047202-C-T. GRCh37 (hg19) VCF-style: chr8-126059444-C-T.
Other names: c.2060+5G>A (NM_001330609.2).
Identifiers: ClinVar variation 2023490 (VCV002023490.4), dbSNP rs2537312920, ClinGen allele CA2580078580.